The following is an entry in ClinVar:

NC_000013.10:g.(?_73333933)_(73590057_?)dup

Genes: DIS3 (DIS3 homolog, exosome endoribonuclease and 3'-5' exoribonuclease; minus strand), PIBF1 (progesterone immunomodulatory binding factor 1; plus strand). Cytogenetic location: 13q22.1.
Variant type: Duplication.
Identifiers: ClinVar variation 2425575 (VCV002425575.4).

ClinVar aggregate classification (germline): Uncertain significance (1 of 4 stars; one submission).

Submission:

Labcorp Genetics (formerly Invitae), Labcorp
Classification: Uncertain significance. Last evaluated: 2023-07-17. Review status: criteria provided, single submitter. Criteria: Invitae Variant Classification Sherloc (09022015). Collection method: clinical testing. Allele origin: germline.
Comment: In summary, the available evidence is currently insufficient to determine the role of this variant in disease. Therefore, it has been classified as a Variant of Uncertain Significance. A copy number gain of the genomic region encompassing the full coding sequence of the PIBF1 gene has been identified. The boundaries of this event are unknown as they extend beyond the assayed region for this gene and therefore may encompass additional genes. As the precise location of this event is unknown, it may be in tandem or it may be located elsewhere in the genome. This variant has not been reported in the literature in individuals affected with PIBF1-related conditions.